The following is an entry in ClinVar:

NM_003482.4(KMT2D):c.15093C>G (p.Arg5031=)

Gene: KMT2D (lysine methyltransferase 2D; minus strand). Cytogenetic location: 12q13.12.
Variant type: single nucleotide variant.
Coding change: c.15093C>G on transcript NM_003482.4 (MANE Select); coding-DNA position 15093, C replaced by G.
Protein change: p.Arg5031=; no amino-acid change (arginine 5031 retained).
Molecular consequence: synonymous variant.
Genome position (GRCh38, 1-based): chr12:49,026,873, G>C on the plus strand (C>G on the coding strand, the complement: KMT2D is on the minus strand). VCF-style: chr12-49026873-G-C. GRCh37 (hg19) VCF-style: chr12-49420656-G-C.
Identifiers: ClinVar variation 4995256 (VCV004995256.1).

ClinVar aggregate classification (germline): Likely benign (1 of 4 stars; one submission).

Conditions:
KMT2D-related disorder. Also called: KMT2D-Related Disorders.

Submission:

PreventionGenetics, part of Exact Sciences
Classification: Likely benign for KMT2D-related condition. Last evaluated: 2026-07-20. Review status: criteria provided, single submitter. Criteria: ACMG Guidelines, 2015. Collection method: clinical testing. Allele origin: germline.
Comment: This variant is classified as likely benign based on ACMG/AMP sequence variant interpretation guidelines (Richards et al. 2015 PMID: 25741868, with internal and published modifications).